The following is an entry in ClinVar:

ClinVar aggregate classification (germline): Conflicting classifications of pathogenicity. Review status: criteria provided, conflicting classifications (1 of 4 stars). 10 submissions from 10 submitters: Uncertain significance (4); Benign (2); Likely benign (3). 1 of the submissions does not count toward it. Last evaluated 2026-02-16.

Conditions:
DMD-related disorder. Also called: DMD-related condition.
Duchenne muscular dystrophy (DMD). Also called: Duchenne Muscular Dystrophy (DMD); MUSCULAR DYSTROPHY, PSEUDOHYPERTROPHIC PROGRESSIVE, DUCHENNE TYPE. Identifiers: Orphanet 98896, MedGen C0013264, MONDO:0010679, OMIM 310200.
Cardiovascular phenotype. Identifiers: MedGen CN230736.

Allele frequency attached by ClinVar (database versions not stated): ESP Exome Variant Server 0.00009; gnomAD 0.00013 and 0.00015; gnomAD exomes 0.00017; TOPMed 0.00018; ExAC 0.00020.
gnomAD v4.1: 298 of 1,208,631 alleles (0.025%); highest among the groups gnomAD compares: Non-Finnish European, 0.031%; no homozygotes.

Submissions (10):

Women's Health and Genetics/Laboratory Corporation of America, LabCorp
Classification: Likely benign. Last evaluated: 2026-02-16. Review status: criteria provided, single submitter. Criteria: LabCorp Variant Classification Summary - May 2015. Collection method: clinical testing. Allele origin: germline.

Labcorp Genetics (formerly Invitae), Labcorp
Classification: Benign for Duchenne muscular dystrophy. Last evaluated: 2025-12-15. Review status: criteria provided, single submitter. Criteria: Invitae Variant Classification Sherloc (09022015). Collection method: clinical testing. Allele origin: germline.

Mayo Clinic Laboratories, Mayo Clinic
Classification: Uncertain significance. Last evaluated: 2025-09-18. Review status: criteria provided, single submitter. Criteria: ACMG Guidelines, 2015. Collection method: clinical testing. Allele origin: germline. Observed: 1 variant allele.
Comment: BP4, PM2_supporting

Laboratory of Genetics, Children's Clinical University Hospital Latvia
Classification: Likely benign. Last evaluated: 2025-02-16. Review status: criteria provided, single submitter. Criteria: ACMG Guidelines, 2015. Collection method: clinical testing. Allele origin: germline. Affected: yes.

Revvity Omics, Revvity
Classification: Uncertain significance. Last evaluated: 2024-09-03. Review status: criteria provided, single submitter. Criteria: ACMG Guidelines, 2015. Collection method: clinical testing. Allele origin: germline.

Ambry Genetics
Classification: Likely benign for Cardiovascular phenotype. Last evaluated: 2022-01-12. Review status: criteria provided, single submitter. Criteria: Ambry Variant Classification Scheme 2023. Collection method: clinical testing. Allele origin: germline.

GeneDx
Classification: Benign. Last evaluated: 2021-03-02. Review status: criteria provided, single submitter. Criteria: GeneDx Variant Classification Process June 2021. Collection method: clinical testing. Allele origin: germline. Affected: yes.

ARUP Laboratories, Molecular Genetics and Genomics, ARUP Laboratories
Classification: Uncertain significance. Last evaluated: 2018-09-26. Review status: criteria provided, single submitter. Criteria: ARUP Molecular Germline Variant Investigation Process. Collection method: clinical testing. Allele origin: germline.
Comment: The DMD p.Tyr2752Cys variant (rs373832446), to our knowledge, has not been reported in the medical literature or gene specific databases; however, this variant is also listed in the ClinVar database with conflicting interpretations (Variation ID: 94797). This variant is found in the general population with an allele frequency in non-Finnish Europeans of 0.03% (28/87,438 alleles; including 5 hemizygotes) in the Genome Aggregation Database. The tyrosine at codon 2752 is highly conserved and computational analyses (SIFT, PolyPhen-2) predict that this variant is deleterious. Thus, based on the available information, the clinical significance of this variant is uncertain.

Eurofins Ntd Llc (ga)
Classification: Uncertain significance. Last evaluated: 2016-08-10. Review status: criteria provided, single submitter. Criteria: EGL Classification Definitions 2015. Collection method: clinical testing. Allele origin: germline. Observed: 4 variant alleles, 3 heterozygotes, 1 hemizygote.

PreventionGenetics, part of Exact Sciences
Classification: Likely benign for DMD-related condition. Last evaluated: 2024-06-12. Review status: no assertion criteria provided. Collection method: clinical testing. Allele origin: germline. Not counted in ClinVar's aggregate classification.
Comment: This variant is classified as likely benign based on ACMG/AMP sequence variant interpretation guidelines (Richards et al. 2015 PMID: 25741868, with internal and published modifications).

NM_004006.3(DMD):c.8255A>G (p.Tyr2752Cys)

Gene: DMD (dystrophin; minus strand). Cytogenetic location: Xp21.1.
Variant type: single nucleotide variant.
Coding change: c.8255A>G on transcript NM_004006.3 (MANE Select); coding-DNA position 8255, A replaced by G.
Protein change: p.Tyr2752Cys; replaces tyrosine 2752 with cysteine.
Molecular consequence: missense variant.
Genome position (GRCh38, 1-based): chrX:31,507,416, T>C on the plus strand (A>G on the coding strand, the complement: DMD is on the minus strand). VCF-style: chrX-31507416-T-C. GRCh37 (hg19) VCF-style: chrX-31525533-T-C.
Other names: c.8231A>G, p.Tyr2744Cys (NM_000109.4); c.8243A>G, p.Tyr2748Cys (NM_004009.3); c.7886A>G, p.Tyr2629Cys (NM_004010.3); c.4232A>G, p.Tyr1411Cys (NM_004011.4); c.4223A>G, p.Tyr1408Cys (NM_004012.4); c.875A>G, p.Tyr292Cys (NM_004013.3, NM_004020.4, NM_004021.3 and 2 more transcripts); c.68A>G, p.Tyr23Cys (NM_004014.3); short protein forms Y1411C, Y2629C, Y2744C, Y1408C, Y292C, Y23C, Y2748C.
Identifiers: ClinVar variation 94797 (VCV000094797.40), dbSNP rs373832446, ClinGen allele CA222504.
Genomic context (GRCh38, chrX:31,507,416, plus strand): 5'-GCATCATCGGAACCTTCCAGGGATCTCAGGATTTTTTGGCTGTTTTCATCCAGGTTGTGA[T>C]AAACATCTGTGTGAGCTTCAATTTCACCTTGGAGGTCCTACAGGACAGCAGGAAGAAGAA-3'
Protein context (NP_003997.2, residues 2742-2762): QGEIEAHTDV[Tyr2752Cys]HNLDENSQKI